The following is an entry in ClinVar:

NM_020631.6(PLEKHG5):c.1843del (p.Thr615fs)

Gene: PLEKHG5 (pleckstrin homology and RhoGEF domain containing G5; minus strand). Cytogenetic location: 1p36.31.
Variant type: Deletion.
Coding change: c.1843del on transcript NM_020631.6 (MANE Select); coding-DNA position 1843, one base deleted (A; older notation c.1843delA).
Protein change: p.Thr615fs; shifts the reading frame from threonine 615.
Molecular consequence: frameshift variant.
Genome position (GRCh38, 1-based): chr1:6,469,634, T deleted on the plus strand (A on the coding strand, the reverse complement: PLEKHG5 is on the minus strand). VCF-style (leftmost placement, unchanged base first): chr1-6469633-GT-G. GRCh37 (hg19) VCF-style: chr1-6529693-GT-G.
Other names: c.1954del, p.Thr652fs (NM_001042663.3, NM_001265592.2); c.1843delA, p.Thr615Profs (NM_001042664.2, NM_001042665.2, NM_001265594.3); c.2050delA, p.Thr684Profs (NM_001265593.2); c.1843del, p.Thr615fs (NM_198681.4); short protein forms T615fs, T684fs, T652fs.
Identifiers: ClinVar variation 817240 (VCV000817240.1), dbSNP rs1569845887, ClinGen allele CA415831960.
Genomic context (GRCh38, chr1:6,469,633, plus strand): 5'-TTGTCCACGAGCAGGGGTGGCCTGATGACCCTGGTCCTCTCTGCCTTCTTCACTGCTTTG[GT>G]CACCAACAGCAGATCCGTGAAGAGGAAGCAGTACACATCCATCTGCAGTGGCAGGAGGGG-3'

ClinVar aggregate classification (germline): Likely pathogenic (1 of 4 stars; one submission).

Allele frequency attached by ClinVar (database versions not stated): gnomAD exomes below 0.00001; TOPMed below 0.00001.

Submission:

GeneDx
Classification: Likely pathogenic. Last evaluated: 2018-09-24. Review status: criteria provided, single submitter. Criteria: GeneDx Variant Classification (06012015). Collection method: clinical testing. Allele origin: germline. Affected: yes.
Comment: The c.1843delA variant has not been published as a pathogenic variant, nor has it been reported as a benign variant to our knowledge. The c.1843delA variant is not observed in large population cohorts (Lek et al., 2016). The c.1843delA variant causes a frameshift starting with codon Threonine 615, changes this amino acid to a Proline residue and creates a premature Stop codon at position 4 of the new reading frame, denoted p.Thr615ProfsX4. This variant is predicted to cause loss of normal protein function either through protein truncation or nonsense-mediated mRNA decay. Therefore, this variant is likely pathogenic; however, the possibility that it is benign cannot be excluded.